The following is an entry in ClinVar:

NM_007294.4(BRCA1):c.1673A>T (p.Lys558Ile)

Gene: BRCA1 (BRCA1 DNA repair associated; minus strand). Cytogenetic location: 17q21.31.
Variant type: single nucleotide variant.
Coding change: c.1673A>T on transcript NM_007294.4 (MANE Select); coding-DNA position 1673, A replaced by T.
Protein change: p.Lys558Ile; replaces lysine 558 with isoleucine.
Molecular consequence: missense variant. On other transcripts: intron variant (137).
Genome position (GRCh38, 1-based): chr17:43,093,858, T>A on the plus strand (A>T on the coding strand, the complement: BRCA1 is on the minus strand). VCF-style: chr17-43093858-T-A. GRCh37 (hg19) VCF-style: chr17-41245875-T-A.
Other names: c.1529A>T, p.Lys510Ile (NM_001407743.1, NM_001407744.1, NM_001407745.1 and 20 more transcripts); c.1532A>T, p.Lys511Ile (NM_001407750.1, NM_001407751.1, NM_001407752.1 and 29 more transcripts); c.1460A>T, p.Lys487Ile (NM_001407853.1, NM_001407894.1, NM_001407895.1 and 9 more transcripts); c.1673A>T, p.Lys558Ile (NM_001407854.1, NM_001407858.1, NM_001407859.1 and 30 more transcripts); c.1670A>T, p.Lys557Ile (NM_001407860.1, NM_001407861.1, NM_001407587.1 and 22 more transcripts); c.1472A>T, p.Lys491Ile (NM_001407862.1); c.1550A>T, p.Lys517Ile (NM_001407863.1, NM_001407919.1, NM_001407937.1 and 19 more transcripts); c.1469A>T, p.Lys490Ile (NM_001407874.1, NM_001407875.1); and 40 more; short protein forms K430I, K488I, K511I, K531I, K555I, K558I, K390I, K490I.
Identifiers: ClinVar variation 1777742 (VCV001777742.4), dbSNP rs2154430983, ClinGen allele CA10598686.

ClinVar aggregate classification (germline): Conflicting classifications of pathogenicity. Review status: criteria provided, conflicting classifications (1 of 4 stars). 2 submissions from 2 submitters: Uncertain significance (1); Likely benign (1). Last evaluated 2023-03-23.

Conditions:
Hereditary cancer-predisposing syndrome. Also called: Neoplastic Syndromes, Hereditary; Tumor predisposition; Hereditary Cancer Syndrome; Hereditary neoplastic syndrome. Identifiers: Orphanet 140162, MedGen C0027672, MeSH D009386, MONDO:0015356.

gnomAD v4.1: 4 of 1,613,810 alleles (0.00025%); highest among the groups gnomAD compares: Non-Finnish European, 0.00034%; no homozygotes.

Submissions (2):

University of Washington Department of Laboratory Medicine, University of Washington
Classification: Likely benign for Hereditary cancer-predisposing syndrome. Last evaluated: 2023-03-23. Review status: criteria provided, single submitter. Criteria: Dines et al. (Genet Med. 2020). Collection method: curation. Allele origin: germline.
Comment: Missense variant in a coldspot region where missense variants are very unlikely to be pathogenic (PMID:31911673).

BRCA1 coldspot (exon 11 using historical exon numbering). Reclassification based on statistical prior probability

Ambry Genetics
Classification: Uncertain significance for Hereditary cancer-predisposing syndrome. Last evaluated: 2021-10-31. Review status: criteria provided, single submitter. Criteria: Ambry Variant Classification Scheme 2023. Collection method: clinical testing. Allele origin: germline.
Comment: The p.K558I variant (also known as c.1673A>T), located in coding exon 9 of the BRCA1 gene, results from an A to T substitution at nucleotide position 1673. The lysine at codon 558 is replaced by isoleucine, an amino acid with dissimilar properties. This amino acid position is conserved. In addition, this alteration is predicted to be deleterious by in silico analysis. Since supporting evidence is limited at this time, the clinical significance of this alteration remains unclear.